The following is an entry in ClinVar:

ClinVar aggregate classification (germline): Uncertain significance (1 of 4 stars; one submission).

Submission:

Labcorp Genetics (formerly Invitae), Labcorp
Classification: Uncertain significance. Last evaluated: 2020-11-24. Review status: criteria provided, single submitter. Criteria: Invitae Variant Classification Sherloc (09022015). Collection method: clinical testing. Allele origin: germline.
Comment: This variant has not been reported in the literature in individuals with GEN1-related conditions. In summary, the available evidence is currently insufficient to determine the role of this variant in disease. Therefore, it has been classified as a Variant of Uncertain Significance. This variant is not present in population databases (ExAC no frequency). This sequence change creates a premature translational stop signal (p.Lys420Serfs*18) in the GEN1 gene. It is expected to result in an absent or disrupted protein product. However, the current clinical and genetic evidence is not sufficient to establish whether loss-of-function variants in GEN1 cause disease.

NM_001130009.3(GEN1):c.1259del (p.Lys420fs)

Gene: GEN1 (GEN1 structure-specific endonuclease; plus strand). Cytogenetic location: 2p24.2.
Variant type: Deletion.
Coding change: c.1259del on transcript NM_001130009.3 (MANE Select); coding-DNA position 1259, one base deleted (A; older notation c.1259delA).
Protein change: p.Lys420fs; shifts the reading frame from lysine 420.
Molecular consequence: frameshift variant.
Genome position (GRCh38, 1-based): chr2:17,778,058, A deleted; the last of 4 consecutive A bases (chr2:17,778,055-17,778,058); deleting any one gives the same sequence. VCF-style (leftmost placement, unchanged base first): chr2-17778054-GA-G. GRCh37 (hg19) VCF-style: chr2-17959321-GA-G.
Other names: c.1259del, p.Lys420fs (NM_182625.5); short protein forms K420fs.
Identifiers: ClinVar variation 1398321 (VCV001398321.6), dbSNP rs1368422157, ClinGen allele CA531049227.
Genomic context (GRCh38, chr2:17,778,054, plus strand): 5'-TTTTTCAGAATTGTTAAGACTCGAATCAGAAATGGAGTTCATTGTTTTGAAATAGAATGG[GA>G]AAAGCCTGGTATGTATTCACTTTAAGCAAAATATTCCATTTATAATATTTGACCATGTAT-3'